The following is an entry in ClinVar:

ClinVar aggregate classification (germline): Uncertain significance (1 of 4 stars; one submission).

gnomAD v4.1: 2 of 1,614,084 alleles (0.00012%); highest among the groups gnomAD compares: Non-Finnish European, 0.00017%; no homozygotes.

Submission:

Women's Health and Genetics/Laboratory Corporation of America, LabCorp
Classification: Uncertain significance. Last evaluated: 2025-09-09. Review status: criteria provided, single submitter. Criteria: LabCorp Variant Classification Summary - May 2015. Collection method: clinical testing. Allele origin: germline.
Comment: Variant summary: HIVEP2 c.7141T>C (p.Cys2381Arg) results in a non-conservative amino acid change in the encoded protein sequence. Algorithms developed to predict the effect of missense changes on protein structure and function are either unavailable or do not agree on the potential impact of this missense change. The variant was absent in 249238 control chromosomes. The available data on variant occurrences in the general population are insufficient to allow any conclusion about variant significance. To our knowledge, no occurrence of c.7141T>C in individuals affected with HIVEP2-related conditions and no experimental evidence demonstrating its impact on protein function have been reported. No submitters have cited clinical-significance assessments for this variant to ClinVar. Based on the evidence outlined above, the variant was classified as uncertain significance.

NM_006734.4(HIVEP2):c.7141T>C (p.Cys2381Arg)

Gene: HIVEP2 (HIVEP zinc finger 2; minus strand). Cytogenetic location: 6q24.2.
Variant type: single nucleotide variant.
Coding change: c.7141T>C on transcript NM_006734.4 (MANE Select); coding-DNA position 7141, T replaced by C.
Protein change: p.Cys2381Arg; replaces cysteine 2381 with arginine.
Molecular consequence: missense variant.
Genome position (GRCh38, 1-based): chr6:142,753,307, A>G on the plus strand (T>C on the coding strand, the complement: HIVEP2 is on the minus strand). VCF-style: chr6-142753307-A-G. GRCh37 (hg19) VCF-style: chr6-143074444-A-G.
Other names: c.7141T>C, p.Cys2381Arg (NM_001438449.1, NM_001438450.1, NM_001438451.1); short protein forms C2381R.
Identifiers: ClinVar variation 4535659 (VCV004535659.1).
Genomic context (GRCh38, chr6:142,753,307, plus strand): 5'-GTGATGTACCAAAATTGTCCTTTTCACCATCATGCAAGTCAGGGTGGGTGGCTGAGGTAC[A>G]GGGCTGACCTGGCTCAGGTCTACTAAAGTGTCTAATGCTAACATGTGCACTTCCCAGGGG-3'
Protein context (NP_006725.3, residues 2371-2391): HFSRPEPGQP[Cys2381Arg]TSATHPDLHD